The following is an entry in ClinVar:

ClinVar aggregate classification (germline): Uncertain significance (1 of 4 stars; one submission).

Submission:

Women's Health and Genetics/Laboratory Corporation of America, LabCorp
Classification: Uncertain significance. Last evaluated: 2025-05-19. Review status: criteria provided, single submitter. Criteria: LabCorp Variant Classification Summary - May 2015. Collection method: clinical testing. Allele origin: germline.
Comment: Variant summary: F8 c.89A>C (p.Glu30Ala) results in a non-conservative amino acid change in the encoded protein sequence. Algorithms developed to predict the effect of missense changes on protein structure and function are either unavailable or do not agree on the potential impact of this missense change. The variant was absent in 183330 control chromosomes. The available data on variant occurrences in the general population are insufficient to allow any conclusion about variant significance. To our knowledge, no occurrence of c.89A>C in individuals affected with Factor VIII Deficiency (Hemophilia A) and no experimental evidence demonstrating its impact on protein function have been reported. No submitters have cited clinical-significance assessments for this variant to ClinVar. Based on the evidence outlined above, the variant was classified as uncertain significance.

NM_000132.4(F8):c.89A>C (p.Glu30Ala)

Gene: F8 (coagulation factor VIII; minus strand). Cytogenetic location: Xq28.
Variant type: single nucleotide variant.
Coding change: c.89A>C on transcript NM_000132.4 (MANE Select); coding-DNA position 89, A replaced by C.
Protein change: p.Glu30Ala; replaces glutamic acid 30 with alanine.
Molecular consequence: missense variant.
Genome position (GRCh38, 1-based): chrX:155,022,464, T>G on the plus strand (A>C on the coding strand, the complement: F8 is on the minus strand). VCF-style: chrX-155022464-T-G. GRCh37 (hg19) VCF-style: chrX-154250739-T-G.
Other names: short protein forms E30A.
Identifiers: ClinVar variation 3902137 (VCV003902137.1).
Genomic context (GRCh38, chrX:155,022,464, plus strand): 5'-CTTTACCTTGCGTCCACAGGCAGCTCACCGAGATCACTTTGCATATAGTCCCATGACAGT[T>G]CCACTGCACCCAGGTAGTATCTTCTGGTGGCACTAAAGCAGAATCGCAAAAGGCACAGAA-3'
Protein context (NP_000123.1, residues 20-40): ATRRYYLGAV[Glu30Ala]LSWDYMQSDL